The following is an entry in ClinVar:

ClinVar aggregate classification (germline): Uncertain significance (1 of 4 stars; one submission).

Conditions:
Inborn genetic diseases. Identifiers: MedGen C0950123, MeSH D030342.

Allele frequency attached by ClinVar (database versions not stated): gnomAD 0.00001.
gnomAD v4.1: 1 of 1,613,908 alleles (0.000062%); highest among the groups gnomAD compares: African/African-American, 0.0013%; no homozygotes.

Submission:

Ambry Genetics
Classification: Uncertain significance for Inborn genetic diseases. Last evaluated: 2024-02-26. Review status: criteria provided, single submitter. Criteria: Ambry Variant Classification Scheme 2023. Collection method: clinical testing. Allele origin: germline.
Comment: The p.M699V variant (also known as c.2095A>G), located in coding exon 13 of the EPAS1 gene, results from an A to G substitution at nucleotide position 2095. The methionine at codon 699 is replaced by valine, an amino acid with highly similar properties. This amino acid position is conserved. In addition, this alteration is predicted to be tolerated by in silico analysis. Since supporting evidence is limited at this time, the clinical significance of this alteration remains unclear.

NM_001430.5(EPAS1):c.2095A>G (p.Met699Val)

Gene: EPAS1 (endothelial PAS domain protein 1; plus strand). Cytogenetic location: 2p21.
Variant type: single nucleotide variant.
Coding change: c.2095A>G on transcript NM_001430.5 (MANE Select); coding-DNA position 2095, A replaced by G.
Protein change: p.Met699Val; replaces methionine 699 with valine.
Molecular consequence: missense variant.
Genome position (GRCh38, 1-based): chr2:46,381,645, A>G. VCF-style: chr2-46381645-A-G. GRCh37 (hg19) VCF-style: chr2-46608784-A-G.
Other names: short protein forms M699V.
Identifiers: ClinVar variation 1785780 (VCV001785780.2), dbSNP rs1429908452, ClinGen allele CA346705518.